The following is an entry in ClinVar:

NM_001844.5(COL2A1):c.17C>A (p.Ala6Asp)

Gene: COL2A1 (collagen type II alpha 1 chain; minus strand). Cytogenetic location: 12q13.11.
Variant type: single nucleotide variant.
Coding change: c.17C>A on transcript NM_001844.5 (MANE Select); coding-DNA position 17, C replaced by A.
Protein change: p.Ala6Asp; replaces alanine 6 with aspartic acid.
Molecular consequence: missense variant.
Genome position (GRCh38, 1-based): chr12:48,004,305, G>T on the plus strand (C>A on the coding strand, the complement: COL2A1 is on the minus strand). VCF-style: chr12-48004305-G-T. GRCh37 (hg19) VCF-style: chr12-48398088-G-T.
Other names: c.17C>A, p.Ala6Asp (NM_033150.3); short protein forms A6D.
Identifiers: ClinVar variation 308938 (VCV000308938.22), dbSNP rs369359592, ClinGen allele CA6536122.

ClinVar aggregate classification (germline): Benign/Likely benign. Review status: criteria provided, multiple submitters, no conflicts (2 of 4 stars). 6 submissions from 5 submitters: Benign (2); Likely benign (4). Last evaluated 2025-12-11.

Conditions:
Connective tissue disorder. Also called: Connective tissue disease. Identifiers: MedGen C0009782, MONDO:0003900.
Stickler syndrome type 1 (STL1). Also called: COL2A1-Related Stickler Syndrome; ARTHROOPHTHALMOPATHY, HEREDITARY PROGRESSIVE; STICKLER SYNDROME, MEMBRANOUS VITREOUS TYPE; STICKLER SYNDROME, VITREOUS TYPE 1. Identifiers: Orphanet 828, Orphanet 90653, MedGen C2020284, MONDO:0007160, OMIM 108300.
Type 2 collagenopathy. Identifiers: Orphanet 93421, MedGen C2931073, MONDO:0022800.

Allele frequency attached by ClinVar (database versions not stated): ExAC 0.00011; gnomAD 0.00013 and 0.00020; TOPMed 0.00015; gnomAD exomes 0.00030; 1000 Genomes Project 30x 0.00109; 1000 Genomes Project 0.00120.
gnomAD v4.1: 167 of 1,548,920 alleles (0.011%); highest among the groups gnomAD compares: East Asian, 0.32%; no homozygotes.

Submissions (6):

Labcorp Genetics (formerly Invitae), Labcorp
Classification: Likely benign. Last evaluated: 2025-12-11. Review status: criteria provided, single submitter. Criteria: Invitae Variant Classification Sherloc (09022015). Collection method: clinical testing. Allele origin: germline.

Blueprint Genetics
Classification: Likely benign. Last evaluated: 2024-11-06. Review status: criteria provided, single submitter. Criteria: ACMG Guidelines, 2015. Collection method: clinical testing. Allele origin: germline.

Genome Diagnostics Laboratory, The Hospital for Sick Children
Classification: Benign for Connective tissue disorder. Last evaluated: 2021-11-29. Review status: criteria provided, single submitter. Criteria: ACMG Guidelines, 2015. Collection method: clinical testing. Allele origin: germline.

GeneDx
Classification: Likely benign. Last evaluated: 2020-11-18. Review status: criteria provided, single submitter. Criteria: GeneDx Variant Classification Process June 2021. Collection method: clinical testing. Allele origin: germline. Affected: yes.

Illumina Laboratory Services, Illumina
Classification: Likely benign for Stickler syndrome type 1. Last evaluated: 2018-01-12. Review status: criteria provided, single submitter. Criteria: ICSL Variant Classification Criteria 13 December 2019. Collection method: clinical testing. Allele origin: germline.
Comment: This variant was observed in the ICSL laboratory as part of a predisposition screen in an ostensibly healthy population. It had not been previously curated by ICSL or reported in the Human Gene Mutation Database (HGMD: prior to June 1st, 2018), and was therefore a candidate for classification through an automated scoring system. Utilizing variant allele frequency, disease prevalence and penetrance estimates, and inheritance mode, an automated score was calculated to assess if this variant is too frequent to cause the disease. Based on the score and internal cut-off values, a variant classified as likely benign is not then subjected to further curation. The score for this variant resulted in a classification of likely benign for this disease.

Illumina Laboratory Services, Illumina
Classification: Benign for Type II Collagenopathies. Last evaluated: 2018-01-12. Review status: criteria provided, single submitter. Criteria: ICSL Variant Classification Criteria 13 December 2019. Collection method: clinical testing. Allele origin: germline.
Comment: This variant was observed in the ICSL laboratory as part of a predisposition screen in an ostensibly healthy population. It had not been previously curated by ICSL or reported in the Human Gene Mutation Database (HGMD: prior to June 1st, 2018), and was therefore a candidate for classification through an automated scoring system. Utilizing variant allele frequency, disease prevalence and penetrance estimates, and inheritance mode, an automated score was calculated to assess if this variant is too frequent to cause the disease. Based on the score and internal cut-off values, a variant classified as benign is not then subjected to further curation. The score for this variant resulted in a classification of benign for this disease.